The following is an entry in ClinVar:

ClinVar aggregate classification (germline): Pathogenic/Likely pathogenic. Review status: criteria provided, multiple submitters, no conflicts (2 of 4 stars). 2 submissions from 2 submitters: Pathogenic (1); Likely pathogenic (1). Last evaluated 2022-03-19.

Conditions:
Catecholaminergic polymorphic ventricular tachycardia 1. Also called: RYR2-Related Catecholaminergic Polymorphic Ventricular Tachycardia; VENTRICULAR TACHYCARDIA, CATECHOLAMINERGIC POLYMORPHIC, 1, WITH OR WITHOUT ATRIAL DYSFUNCTION AND/OR DILATED CARDIOMYOPATHY; VENTRICULAR TACHYCARDIA, STRESS-INDUCED POLYMORPHIC 1. Identifiers: Orphanet 3286, MedGen C1631597, MONDO:0011484, OMIM 604772.

Submissions (2):

Labcorp Genetics (formerly Invitae), Labcorp
Classification: Pathogenic for Catecholaminergic polymorphic ventricular tachycardia 1. Last evaluated: 2022-03-19. Review status: criteria provided, single submitter. Criteria: Invitae Variant Classification Sherloc (09022015). Collection method: clinical testing. Allele origin: germline.
Comment: This sequence change replaces lysine, which is basic and polar, with glutamic acid, which is acidic and polar, at codon 4751 of the RYR2 protein (p.Lys4751Glu). This variant is not present in population databases (gnomAD no frequency). This missense change has been observed in individual(s) with clinical features of RYR2-related conditions (Invitae). In at least one individual the variant was observed to be de novo. ClinVar contains an entry for this variant (Variation ID: 463577). Advanced modeling of protein sequence and biophysical properties (such as structural, functional, and spatial information, amino acid conservation, physicochemical variation, residue mobility, and thermodynamic stability) performed at Invitae indicates that this missense variant is expected to disrupt RYR2 protein function. For these reasons, this variant has been classified as Pathogenic.

Stanford Center for Inherited Cardiovascular Disease, Stanford University
Classification: Likely pathogenic. Last evaluated: 2017-06-08. Review status: criteria provided, single submitter. Criteria: ACMG Guidelines, 2015. Collection method: provider interpretation. Allele origin: germline.

NM_001035.3(RYR2):c.14251A>G (p.Lys4751Glu)

Gene: RYR2 (ryanodine receptor 2; plus strand). Cytogenetic location: 1q43.
Variant type: single nucleotide variant.
Coding change: c.14251A>G on transcript NM_001035.3 (MANE Select); coding-DNA position 14251, A replaced by G.
Protein change: p.Lys4751Glu; replaces lysine 4751 with glutamic acid.
Molecular consequence: missense variant.
Genome position (GRCh38, 1-based): chr1:237,806,236, A>G. VCF-style: chr1-237806236-A-G. GRCh37 (hg19) VCF-style: chr1-237969536-A-G.
Other names: c.14251A>G, p.Lys4751Glu (LRG_402t1); short protein forms K4751E.
Identifiers: ClinVar variation 463577 (VCV000463577.13), dbSNP rs794728802, ClinGen allele CA345423159.